The following is an entry in ClinVar:

NM_003482.4(KMT2D):c.3695C>G (p.Pro1232Arg)

Genes: KMT2D (lysine methyltransferase 2D; minus strand), LOC126861520 (CDK7 strongly-dependent group 2 enhancer GRCh37_chr12:49442744-49443943; plus strand). Cytogenetic location: 12q13.12.
Variant type: single nucleotide variant.
Coding change: c.3695C>G on transcript NM_003482.4 (MANE Select); coding-DNA position 3695, C replaced by G.
Protein change: p.Pro1232Arg; replaces proline 1232 with arginine.
Molecular consequence: missense variant.
Genome position (GRCh38, 1-based): chr12:49,049,893, G>C on the plus strand (C>G on the coding strand, the complement: KMT2D is on the minus strand). VCF-style: chr12-49049893-G-C. GRCh37 (hg19) VCF-style: chr12-49443676-G-C.
Other names: short protein forms P1232R.
Identifiers: ClinVar variation 2871306 (VCV002871306.3), dbSNP rs1208909878, ClinGen allele CA384655810.

ClinVar aggregate classification (germline): Uncertain significance (1 of 4 stars; one submission).

Conditions:
Kabuki syndrome. Also called: NIIKAWA-KUROKI SYNDROME; Kabuki make-up syndrome. Identifiers: Orphanet 2322, MedGen C0796004, MONDO:0016512.

Submission:

Labcorp Genetics (formerly Invitae), Labcorp
Classification: Uncertain significance for Kabuki syndrome. Last evaluated: 2023-08-10. Review status: criteria provided, single submitter. Criteria: Invitae Variant Classification Sherloc (09022015). Collection method: clinical testing. Allele origin: germline.
Comment: In summary, the available evidence is currently insufficient to determine the role of this variant in disease. Therefore, it has been classified as a Variant of Uncertain Significance. Advanced modeling of protein sequence and biophysical properties (such as structural, functional, and spatial information, amino acid conservation, physicochemical variation, residue mobility, and thermodynamic stability) performed at Invitae indicates that this missense variant is not expected to disrupt KMT2D protein function. This variant has not been reported in the literature in individuals affected with KMT2D-related conditions. This variant is not present in population databases (gnomAD no frequency). This sequence change replaces proline, which is neutral and non-polar, with arginine, which is basic and polar, at codon 1232 of the KMT2D protein (p.Pro1232Arg).